The following is an entry in ClinVar:

NM_001165963.4(SCN1A):c.2977A>G (p.Ser993Gly)

Gene: SCN1A (sodium voltage-gated channel alpha subunit 1; minus strand). Cytogenetic location: 2q24.3.
Variant type: single nucleotide variant.
Coding change: c.2977A>G on transcript NM_001165963.4 (MANE Select); coding-DNA position 2977, A replaced by G.
Protein change: p.Ser993Gly; replaces serine 993 with glycine.
Molecular consequence: missense variant. On other transcripts: non-coding transcript variant (1).
Genome position (GRCh38, 1-based): chr2:166,036,500, T>C on the plus strand (A>G on the coding strand, the complement: SCN1A is on the minus strand). VCF-style: chr2-166036500-T-C. GRCh37 (hg19) VCF-style: chr2-166893010-T-C.
Other names: c.2977A>G (NM_001165963.1); c.2893A>G, p.Ser965Gly (NM_001165964.3, NM_001353957.2, NM_001353958.2); c.2977A>G, p.Ser993Gly (NM_001202435.3, NM_001353948.2); c.2944A>G, p.Ser982Gly (NM_001353949.2, NM_001353950.2, NM_001353951.2 and 2 more transcripts); c.2941A>G, p.Ser981Gly (NM_001353954.2, NM_001353955.2); c.2890A>G, p.Ser964Gly (NM_001353960.2); c.535A>G, p.Ser179Gly (NM_001353961.2); short protein forms S179G, S964G, S965G, S981G, S982G, S993G.
Identifiers: ClinVar variation 1720777 (VCV001720777.6), dbSNP rs2468081385, ClinGen allele CA349060564.
Genomic context (GRCh38, chr2:166,036,500, plus strand): 5'-GGAGATTATTCATTTCATTATCATCATCAGTGGCTGCAAGGTTGTCTGCACTAAATGAGC[T>C]CAGAAGCAAGGCCAGAAAGAGATTCAGGACCTTAAAAACAACAAAAACATGATTATAATT-3'
Protein context (NP_001159435.1, residues 983-1003): VLNLFLALLL[Ser993Gly]SFSADNLAAT

ClinVar aggregate classification (germline): Conflicting classifications of pathogenicity. Review status: criteria provided, conflicting classifications (1 of 4 stars). 2 submissions from 2 submitters: Likely pathogenic (1); Uncertain significance (1). Last evaluated 2024-01-23.

Conditions:
Early-infantile DEE. Also called: Early infantile epileptic encephalopathy with suppression bursts; Early infantile epileptic encephalopathy; Ohtahara syndrome. Identifiers: Orphanet 1934, MedGen C0393706, MONDO:0800491.

Submissions (2):

GeneDx
Classification: Likely pathogenic. Last evaluated: 2024-01-23. Review status: criteria provided, single submitter. Criteria: GeneDx Variant Classification Process June 2021. Collection method: clinical testing. Allele origin: germline. Affected: yes.
Comment: Identified in a patient with genetic epilepsy with febrile seizures plus (GEFS+) in the published literature (PMID: 35074891); Missense variants in this gene are a common cause of disease and they are underrepresented in the general population; Not observed at significant frequency in large population cohorts (gnomAD); In silico analysis supports that this missense variant has a deleterious effect on protein structure/function; This substitution is predicted to be in the cytoplasmic loop between the second and third homologous domains; This variant is associated with the following publications: (PMID: 35074891)

Labcorp Genetics (formerly Invitae), Labcorp
Classification: Uncertain significance for Early-infantile DEE. Last evaluated: 2022-10-11. Review status: criteria provided, single submitter. Criteria: Invitae Variant Classification Sherloc (09022015). Collection method: clinical testing. Allele origin: germline.
Comment: This variant is not present in population databases (gnomAD no frequency). In summary, the available evidence is currently insufficient to determine the role of this variant in disease. Therefore, it has been classified as a Variant of Uncertain Significance. Advanced modeling of protein sequence and biophysical properties (such as structural, functional, and spatial information, amino acid conservation, physicochemical variation, residue mobility, and thermodynamic stability) performed at Invitae indicates that this missense variant is expected to disrupt SCN1A protein function. This missense change has been observed in individual(s) with clinical features of SCN1A-related conditions (Invitae). This sequence change replaces serine, which is neutral and polar, with glycine, which is neutral and non-polar, at codon 993 of the SCN1A protein (p.Ser993Gly).